The following is an entry in ClinVar:

ClinVar aggregate classification (germline): Uncertain significance (1 of 4 stars; one submission).

Submission:

Dasa
Classification: Uncertain significance. Last evaluated: 2025-11-25. Review status: criteria provided, single submitter. Criteria: DASA Assertion Criteria. Collection method: clinical testing. Allele origin: germline.
Comment: NM_006182.4(DDR2):c.1162+1G>A affects a canonical splice site and is predicted to disrupt normal RNA splicing. This variant is absent from population databases. The currently available literature and clinical evidence are not sufficient to establish a definitive association between this variant and the reported condition. Therefore, this variant is classified as a variant of uncertain significance.

NM_006182.4(DDR2):c.1162+1G>A

Gene: DDR2 (discoidin domain receptor tyrosine kinase 2; plus strand). Cytogenetic location: 1q23.3.
Variant type: single nucleotide variant.
Coding change: c.1162+1G>A on transcript NM_006182.4 (MANE Select); the canonical splice donor site of the intron after coding-DNA position 1162, G replaced by A.
Molecular consequence: splice donor variant.
Genome position (GRCh38, 1-based): chr1:162,766,064, G>A. VCF-style: chr1-162766064-G-A. GRCh37 (hg19) VCF-style: chr1-162735854-G-A.
Other names: c.1162+1G>A (NM_001354983.2, NM_001354982.2, NM_001014796.3).
Identifiers: ClinVar variation 4881759 (VCV004881759.2).
Genomic context (GRCh38, chr1:162,766,064, plus strand): 5'-CTGCAATGTACAACAACTCTGAAGCCCTGCCCACCTCTCCTATGGCACCCACAACCTATG[G>A]TATATGTGATTCCTAATTACACAAATTAATTTGAAGGGACTTACTGGGGGATGAAGAAGG-3'